The following is an entry in ClinVar:

ClinVar aggregate classification (germline): Pathogenic. Review status: criteria provided, multiple submitters, no conflicts (2 of 4 stars). 7 submissions from 6 submitters: Pathogenic (7). Last evaluated 2025-09-28.

Conditions:
Myotonia. Identifiers: MedGen C0700153, HP:0002486.
Congenital myotonia, autosomal recessive form. Also called: BECKER DISEASE; myotonia congenita, autosomal recessive; Becker Generalized Myotonia. Identifiers: Orphanet 614, MedGen C0751360, MONDO:0009715, OMIM 255700.
Congenital myotonia, autosomal dominant form (THD). Also called: Myotonia congenita autosomal dominant; THOMSEN DISEASE. Identifiers: Orphanet 614, MedGen C2936781, MONDO:0008055, OMIM 160800.

Allele frequency attached by ClinVar (database versions not stated): gnomAD exomes below 0.00001 and 0.00001; gnomAD 0.00001; TOPMed 0.00003.
gnomAD v4.1: 9 of 1,614,046 alleles (0.00056%); highest among the groups gnomAD compares: African/African-American, 0.0093%; no homozygotes.

Submissions (7):

Labcorp Genetics (formerly Invitae), Labcorp
Classification: Pathogenic for Congenital myotonia, autosomal recessive form; Congenital myotonia, autosomal dominant form. Last evaluated: 2025-09-28. Review status: criteria provided, single submitter. Criteria: Invitae Variant Classification Sherloc (09022015). Collection method: clinical testing. Allele origin: germline.
Comment: This sequence change creates a premature translational stop signal (p.Gln879*) in the CLCN1 gene. While this is not anticipated to result in nonsense mediated decay, it is expected to disrupt the last 110 amino acid(s) of the CLCN1 protein. This variant is present in population databases (no rsID available, gnomAD 0.02%). This premature translational stop signal has been observed in individuals with autosomal recessive myotonia congenita (PMID: 23113340, 23739125). ClinVar contains an entry for this variant (Variation ID: 374131). This variant disrupts a region of the CLCN1 protein in which other variant(s) (p.Gly945Argfs*39) have been determined to be pathogenic (PMID: 18337100; internal data). This suggests that this is a clinically significant region of the protein, and that variants that disrupt it are likely to be disease-causing. For these reasons, this variant has been classified as Pathogenic.

GeneDx
Classification: Pathogenic. Last evaluated: 2023-02-21. Review status: criteria provided, single submitter. Criteria: GeneDx Variant Classification Process June 2021. Collection method: clinical testing. Allele origin: germline. Affected: yes.
Comment: Reported previously in an individual with myotonia congenita who harbored a second benign variant in the CLCL1 gene, suggesting autosomal dominant inheritance (Brugnoni et al., 2013); Functional studies indicate that this variant destroys skeletal-muscle chloride channel function as no chloride currents were elicited from Xenopus oocytes containing Q879X (Wu et al., 2006); Not observed at significant frequency in large population cohorts (gnomAD); Nonsense variant predicted to result in protein truncation, as the last 110 amino acids are lost, and other loss-of-function variants have been reported downstream in HGMD; This variant is associated with the following publications: (PMID: 16321142, 23739125, 23113340, 34106991)

Institute of Medical Genetics and Applied Genomics, University Hospital Tübingen
Classification: Pathogenic for Congenital myotonia, autosomal dominant form. Last evaluated: 2022-12-07. Review status: criteria provided, single submitter. Criteria: ACMG Guidelines, 2015. Collection method: clinical testing. Allele origin: germline. Inheritance: Autosomal dominant inheritance. Affected: yes.

Athena Diagnostics
Classification: Pathogenic. Last evaluated: 2021-07-20. Review status: criteria provided, single submitter. Criteria: Athena Diagnostics Criteria. Collection method: clinical testing. Allele origin: unknown.
Comment: This variant is expected to result in the loss of a functional protein. The frequency of this variant in the general population is consistent with pathogenicity. This variant has been reported in individuals with apparently recessive myotonia congenita (PMID: 23739125, 23113340). Assessment of experimental evidence suggests this variant results in abnormal protein function. This variant was shown to cause a complete loss of chloride ion flow through the ClC1 channel (PMID: 16321142).

Revvity Omics, Revvity
Classification: Pathogenic. Last evaluated: 2021-03-23. Review status: criteria provided, single submitter. Criteria: ACMG Guidelines, 2015. Collection method: clinical testing. Allele origin: germline.

Centre for Mendelian Genomics, University Medical Centre Ljubljana
Classification: Pathogenic for Congenital myotonia, autosomal recessive form. Last evaluated: 2016-01-01. Review status: criteria provided, single submitter. Criteria: ACMG Guidelines, 2015. Collection method: clinical testing. Allele origin: unknown. Affected: yes.
Comment: This variant was classified as: Pathogenic.

Centre for Mendelian Genomics, University Medical Centre Ljubljana
Classification: Pathogenic for Myotonia. Last evaluated: 2015-01-23. Review status: criteria provided, single submitter. Criteria: ACMG Guidelines, 2015. Collection method: clinical testing. Allele origin: unknown. Affected: yes.

Literature cited by the submitters: PubMed 23113340 (cited by Labcorp Genetics (formerly Invitae), Labcorp and Athena Diagnostics); PubMed 23739125 (cited by Labcorp Genetics (formerly Invitae), Labcorp and Athena Diagnostics); PubMed 18337100 (cited by Labcorp Genetics (formerly Invitae), Labcorp); PubMed 16321142 (cited by Athena Diagnostics).

NM_000083.3(CLCN1):c.2635C>T (p.Gln879Ter)

Genes: CLCN1 (chloride voltage-gated channel 1; plus strand), FAM131B (family with sequence similarity 131 member B; minus strand). Cytogenetic location: 7q34.
Variant type: single nucleotide variant.
Coding change: c.2635C>T on transcript NM_000083.3 (MANE Select); coding-DNA position 2635, C replaced by T.
Protein change: p.Gln879Ter; replaces glutamine 879 with a stop codon.
Molecular consequence: nonsense. On other transcripts: non-coding transcript variant (1).
Genome position (GRCh38, 1-based): chr7:143,351,633, C>T. VCF-style: chr7-143351633-C-T. GRCh37 (hg19) VCF-style: chr7-143048726-C-T.
Other names: short protein forms Q879*.
Identifiers: ClinVar variation 374131 (VCV000374131.21), dbSNP rs1057518917, ClinGen allele CA16043424.